The following is an entry in ClinVar:

ClinVar aggregate classification (germline): Uncertain significance (1 of 4 stars; one submission).

Allele frequency attached by ClinVar (database versions not stated): TOPMed below 0.00001; gnomAD exomes 0.00001.

Submission:

Labcorp Genetics (formerly Invitae), Labcorp
Classification: Uncertain significance. Last evaluated: 2025-01-13. Review status: criteria provided, single submitter. Criteria: Invitae Variant Classification Sherloc (09022015). Collection method: clinical testing. Allele origin: germline.
Comment: This sequence change replaces leucine, which is neutral and non-polar, with phenylalanine, which is neutral and non-polar, at codon 120 of the HTRA2 protein (p.Leu120Phe). This variant is not present in population databases (gnomAD no frequency). This variant has not been reported in the literature in individuals affected with HTRA2-related conditions. ClinVar contains an entry for this variant (Variation ID: 2103052). Invitae Evidence Modeling of protein sequence and biophysical properties (such as structural, functional, and spatial information, amino acid conservation, physicochemical variation, residue mobility, and thermodynamic stability) indicates that this missense variant is not expected to disrupt HTRA2 protein function with a negative predictive value of 80%. In summary, the available evidence is currently insufficient to determine the role of this variant in disease. Therefore, it has been classified as a Variant of Uncertain Significance.

NM_013247.5(HTRA2):c.360G>T (p.Leu120Phe)

Gene: HTRA2 (HtrA serine peptidase 2; plus strand). Cytogenetic location: 2p13.1.
Variant type: single nucleotide variant.
Coding change: c.360G>T on transcript NM_013247.5 (MANE Select); coding-DNA position 360, G replaced by T.
Protein change: p.Leu120Phe; replaces leucine 120 with phenylalanine.
Molecular consequence: missense variant. On other transcripts: non-coding transcript variant (1).
Genome position (GRCh38, 1-based): chr2:74,530,366, G>T. VCF-style: chr2-74530366-G-T. GRCh37 (hg19) VCF-style: chr2-74757493-G-T.
Other names: c.360G>T, p.Leu120Phe (NM_001321727.1, NM_001321728.1, NM_145074.2); short protein forms L120F.
Identifiers: ClinVar variation 2103052 (VCV002103052.4), dbSNP rs1041655411, ClinGen allele CA50487548.
Genomic context (GRCh38, chr2:74,530,366, plus strand): 5'-AACCCGTTCGCGCGCGTGGCTGGCGGTGGCGCTGGGCGCTGGGGGGGCAGTGCTGTTGTT[G>T]TTGTGGGGCGGGGGTCGGGGTCCTCCGGCCGTCCTCGCCGCCGTCCCTAGCCCGCCGCCC-3'
Protein context (NP_037379.1, residues 110-130): ALGAGGAVLL[Leu120Phe]LWGGGRGPPA